The following is an entry in ClinVar:

ClinVar aggregate classification (germline): Uncertain significance (1 of 4 stars; one submission).

Submission:

Labcorp Genetics (formerly Invitae), Labcorp
Classification: Uncertain significance. Last evaluated: 2023-08-30. Review status: criteria provided, single submitter. Criteria: Invitae Variant Classification Sherloc (09022015). Collection method: clinical testing. Allele origin: germline.
Comment: In summary, the available evidence is currently insufficient to determine the role of this variant in disease. Therefore, it has been classified as a Variant of Uncertain Significance. Advanced modeling of protein sequence and biophysical properties (such as structural, functional, and spatial information, amino acid conservation, physicochemical variation, residue mobility, and thermodynamic stability) performed at Invitae indicates that this missense variant is not expected to disrupt CAPN5 protein function. ClinVar contains an entry for this variant (Variation ID: 1399830). This variant has not been reported in the literature in individuals affected with CAPN5-related conditions. This variant is not present in population databases (gnomAD no frequency). This sequence change replaces glutamine, which is neutral and polar, with histidine, which is basic and polar, at codon 213 of the CAPN5 protein (p.Gln213His).

NM_004055.5(CAPN5):c.639G>C (p.Gln213His)

Gene: CAPN5 (calpain 5; plus strand). Cytogenetic location: 11q13.5.
Variant type: single nucleotide variant.
Coding change: c.639G>C on transcript NM_004055.5 (MANE Select); coding-DNA position 639, G replaced by C.
Protein change: p.Gln213His; replaces glutamine 213 with histidine.
Molecular consequence: missense variant.
Genome position (GRCh38, 1-based): chr11:77,114,374, G>C. VCF-style: chr11-77114374-G-C. GRCh37 (hg19) VCF-style: chr11-76825420-G-C.
Other names: short protein forms Q213H.
Identifiers: ClinVar variation 1399830 (VCV001399830.6), dbSNP rs2135477518, ClinGen allele CA381938147.